The following is an entry in ClinVar:

ClinVar aggregate classification (germline): Benign/Likely benign. Review status: criteria provided, multiple submitters, no conflicts (2 of 4 stars). 3 submissions from 3 submitters: Benign (1); Likely benign (2). Last evaluated 2026-01-19.

Conditions:
Long QT syndrome (LQTS). Identifiers: MedGen C0023976, MeSH D008133, MONDO:0002442. Disease mechanism: loss of function. Inheritance: Various modes of inheritance.

Allele frequency attached by ClinVar (database versions not stated): TOPMed 0.00007; ESP Exome Variant Server 0.00008; gnomAD exomes 0.00092; ExAC 0.00108; 1000 Genomes Project 30x 0.00234; 1000 Genomes Project 0.00280.
gnomAD v4.1: 693 of 1,611,266 alleles (0.043%); highest among the groups gnomAD compares: South Asian, 0.7%; 9 homozygotes.

Submissions (3):

Labcorp Genetics (formerly Invitae), Labcorp
Classification: Benign for Long QT syndrome. Last evaluated: 2026-01-19. Review status: criteria provided, single submitter. Criteria: Invitae Variant Classification Sherloc (09022015). Collection method: clinical testing. Allele origin: germline.

Blueprint Genetics
Classification: Likely benign. Last evaluated: 2024-11-27. Review status: criteria provided, single submitter. Criteria: ACMG Guidelines, 2015. Collection method: clinical testing. Allele origin: germline.

GeneDx
Classification: Likely benign. Last evaluated: 2016-12-22. Review status: criteria provided, single submitter. Criteria: GeneDx Variant Classification (06012015). Collection method: clinical testing. Allele origin: germline. Affected: yes.
Comment: This variant is considered likely benign or benign based on one or more of the following criteria: it is a conservative change, it occurs at a poorly conserved position in the protein, it is predicted to be benign by multiple in silico algorithms, and/or has population frequency not consistent with disease.

NM_000218.3(KCNQ1):c.478-20G>A

Gene: KCNQ1 (potassium voltage-gated channel subfamily Q member 1; plus strand). Cytogenetic location: 11p15.5.
Variant type: single nucleotide variant.
Coding change: c.478-20G>A on transcript NM_000218.3 (MANE Select); 20 bases into the intron before coding-DNA position 478, G replaced by A.
Molecular consequence: intron variant.
Genome position (GRCh38, 1-based): chr11:2,570,608, G>A. VCF-style: chr11-2570608-G-A. GRCh37 (hg19) VCF-style: chr11-2591838-G-A.
Other names: c.208-20G>A (NM_001406837.1); c.478-20G>A (NM_001406836.1); c.478-12827G>A (NM_001406838.1); c.97-20G>A (NM_181798.2).
Identifiers: ClinVar variation 378014 (VCV000378014.11), dbSNP rs368080519, ClinGen allele CA037638.
Genomic context (GRCh38, chr11:2,570,608, plus strand): 5'-TGGGTTCAAACAGGTTGCAGGGTCTGAAGCCACTCAAGGCCGAGCCTGCCTGCAGTGAGC[G>A]TCCCACTCTGTCCCTGCAGGAGATCGTGCTGGTGGTGTTCTTCGGGACGGAGTACGTGGT-3'